The following is an entry in ClinVar:

NM_016204.4(GDF2):c.1262T>C (p.Met421Thr)

Gene: GDF2 (growth differentiation factor 2; plus strand). Cytogenetic location: 10q11.22.
Variant type: single nucleotide variant.
Coding change: c.1262T>C on transcript NM_016204.4 (MANE Select); coding-DNA position 1262, T replaced by C.
Protein change: p.Met421Thr; replaces methionine 421 with threonine.
Molecular consequence: missense variant.
Genome position (GRCh38, 1-based): chr10:47,325,756, T>C. VCF-style: chr10-47325756-T-C. GRCh37 (hg19) VCF-style: chr10-48413606-A-G.
Other names: short protein forms M421T.
Identifiers: ClinVar variation 4756099 (VCV004756099.1).
Genomic context (GRCh38, chr10:47,325,756, plus strand): 5'-TCTCCGTCCTCTACAAGGATGACATGGGGGTGCCCACCCTCAAGTACCATTACGAGGGCA[T>C]GAGCGTGGCAGAGTGTGGGTGCAGGTAGTATCTGCCTGCGGGGCTGGGGAGGCAGGCCAA-3'
Protein context (NP_057288.1, residues 411-429): VPTLKYHYEG[Met421Thr]SVAECGCR

ClinVar aggregate classification (germline): Uncertain significance (1 of 4 stars; one submission).

Submission:

GeneDx
Classification: Uncertain significance. Last evaluated: 2025-08-04. Review status: criteria provided, single submitter. Criteria: GeneDx Variant Classification Process June 2021. Collection method: clinical testing. Allele origin: germline. Affected: yes.
Comment: Has not been previously published as pathogenic or benign to our knowledge; Not observed at significant frequency in large population cohorts (gnomAD); In silico analysis does not support a benign or deleterious effect of this variant on protein structure/function